The following is an entry in ClinVar:

ClinVar aggregate classification (germline): Benign. Review status: criteria provided, multiple submitters, no conflicts (2 of 4 stars). 3 submissions from 2 submitters: Benign (3). Last evaluated 2018-08-30.

Conditions:
Hypophosphatemic rickets, autosomal recessive, 2 (ARHR2). Identifiers: Orphanet 289176, MedGen C2750078, MONDO:0013219, OMIM 613312.
Arterial calcification, generalized, of infancy, 1 (GACI1). Also called: Idiopathic Infantile Arterial Calcification. Identifiers: Orphanet 51608, MedGen C4551985, MONDO:0008817, OMIM 208000.

Allele frequency attached by ClinVar (database versions not stated): gnomAD exomes 0.05187; 1000 Genomes Project 0.11621; gnomAD 0.11651 and 0.12306; 1000 Genomes Project 30x 0.12164; TOPMed 0.12997.

Submissions (3):

GeneDx
Classification: Benign. Last evaluated: 2018-08-30. Review status: criteria provided, single submitter. Criteria: GeneDx Variant Classification Process June 2021. Collection method: clinical testing. Allele origin: germline. Affected: yes.

Illumina Laboratory Services, Illumina
Classification: Benign for Hypophosphatemic rickets, autosomal recessive, 2. Last evaluated: 2018-01-12. Review status: criteria provided, single submitter. Criteria: ICSL Variant Classification Criteria 13 December 2019. Collection method: clinical testing. Allele origin: germline.
Comment: This variant was observed in the ICSL laboratory as part of a predisposition screen in an ostensibly healthy population. It had not been previously curated by ICSL or reported in the Human Gene Mutation Database (HGMD: prior to June 1st, 2018), and was therefore a candidate for classification through an automated scoring system. Utilizing variant allele frequency, disease prevalence and penetrance estimates, and inheritance mode, an automated score was calculated to assess if this variant is too frequent to cause the disease. Based on the score and internal cut-off values, a variant classified as benign is not then subjected to further curation. The score for this variant resulted in a classification of benign for this disease.

Illumina Laboratory Services, Illumina
Classification: Benign for Arterial calcification, generalized, of infancy, 1. Last evaluated: 2018-01-12. Review status: criteria provided, single submitter. Criteria: ICSL Variant Classification Criteria 13 December 2019. Collection method: clinical testing. Allele origin: germline.
Comment: the same text as in the submission from Illumina Laboratory Services, Illumina above.

NM_006208.3(ENPP1):c.*112G>A

Gene: ENPP1 (ectonucleotide pyrophosphatase/phosphodiesterase 1; plus strand). Cytogenetic location: 6q23.2.
Variant type: single nucleotide variant.
Coding change: c.*112G>A on transcript NM_006208.3 (MANE Select); 112 bases downstream of the stop codon, G replaced by A.
Molecular consequence: 3 prime UTR variant.
Genome position (GRCh38, 1-based): chr6:131,890,623, G>A. VCF-style: chr6-131890623-G-A. GRCh37 (hg19) VCF-style: chr6-132211763-G-A.
Identifiers: ClinVar variation 355357 (VCV000355357.8), dbSNP rs1044548, ClinGen allele CA10625936.
Genomic context (GRCh38, chr6:131,890,623, plus strand): 5'-TTATATAGTCCTCTAGCTACACTATTGCATTGTTCAGAAACTGTCGACCAGAGTTAGAAC[G>A]GAGCCCTCGGTGATGCGGACATCTCAGGGAAACTTGCGTACTCAGCACAGCAGTGGAGAG-3'